The following is an entry in ClinVar:

ClinVar aggregate classification (germline): Uncertain significance (1 of 4 stars; one submission).

Conditions:
Cardiovascular phenotype. Identifiers: MedGen CN230736.

Allele frequency attached by ClinVar (database versions not stated): gnomAD 0.00001; TOPMed 0.00001.
gnomAD v4.1: 1 of 1,613,542 alleles (0.000062%); highest among the groups gnomAD compares: African/African-American, 0.0013%; no homozygotes.

Submission:

Ambry Genetics
Classification: Uncertain significance for Cardiovascular phenotype. Last evaluated: 2020-08-17. Review status: criteria provided, single submitter. Criteria: Ambry Variant Classification Scheme 2023. Collection method: clinical testing. Allele origin: germline.
Comment: The p.S18294P variant (also known as c.54880T>C), located in coding exon 153 of the TTN gene, results from a T to C substitution at nucleotide position 54880. The serine at codon 18294 is replaced by proline, an amino acid with similar properties. This amino acid position is not well conserved in available vertebrate species. In addition, this alteration is predicted to be tolerated by in silico analysis. Since supporting evidence is limited at this time, the clinical significance of this alteration remains unclear.

NM_001267550.2(TTN):c.82075T>C (p.Ser27359Pro)

Genes: TTN-AS1 (TTN antisense RNA 1; plus strand), TTN (titin; minus strand). Cytogenetic location: 2q31.2.
Variant type: single nucleotide variant.
Coding change: c.82075T>C on transcript NM_001267550.2 (MANE Select); coding-DNA position 82075, T replaced by C.
Protein change: p.Ser27359Pro; replaces serine 27359 with proline.
Molecular consequence: missense variant.
Genome position (GRCh38, 1-based): chr2:178,564,057, A>G on the plus strand (T>C on the coding strand, the complement: TTN is on the minus strand). VCF-style: chr2-178564057-A-G. GRCh37 (hg19) VCF-style: chr2-179428784-A-G.
Other names: c.77152T>C, p.Ser25718Pro (NM_001256850.1); c.54880T>C, p.Ser18294Pro (NM_003319.4); c.74371T>C, p.Ser24791Pro (NM_133378.4); c.55255T>C, p.Ser18419Pro (NM_133432.3); c.55456T>C, p.Ser18486Pro (NM_133437.4); short protein forms S18294P, S25718P, S18419P, S18486P, S24791P, S27359P.
Identifiers: ClinVar variation 1747828 (VCV001747828.2), dbSNP rs1704715651, ClinGen allele CA349575692.